The following is an entry in ClinVar:

NM_080680.3(COL11A2):c.2899G>A (p.Gly967Ser)

Gene: COL11A2 (collagen type XI alpha 2 chain; minus strand). Cytogenetic location: 6p21.32.
Variant type: single nucleotide variant.
Coding change: c.2899G>A on transcript NM_080680.3 (MANE Select); coding-DNA position 2899, G replaced by A.
Protein change: p.Gly967Ser; replaces glycine 967 with serine.
Molecular consequence: missense variant.
Genome position (GRCh38, 1-based): chr6:33,172,378, C>T on the plus strand (G>A on the coding strand, the complement: COL11A2 is on the minus strand). VCF-style: chr6-33172378-C-T. GRCh37 (hg19) VCF-style: chr6-33140155-C-T.
Other names: c.2578G>A, p.Gly860Ser (NM_080679.3); c.2641G>A, p.Gly881Ser (NM_080681.3); c.2899G>A (NM_080680.2); short protein forms G860S, G881S, G967S.
Identifiers: ClinVar variation 1465012 (VCV001465012.10), dbSNP rs1292684133, ClinGen allele CA363637242.
Genomic context (GRCh38, chr6:33,172,378, plus strand): 5'-GGAATCCCCTCAGACCAGCAGGACCATCCTTCCCTGGGGCCCCAGGGGGACCAGGGTCAC[C>T]CTAAAAGGAAAGGAGAGGTGATGAGCCACAGCCATGCTCCCAAATTAAACAGAGAGCTCT-3'
Protein context (NP_542411.2, residues 957-977): PGTAGKEGTK[Gly967Ser]DPGPPGAPGK

ClinVar aggregate classification (germline): Uncertain significance. Review status: criteria provided, single submitter (1 of 4 stars). 2 submissions from 2 submitters: Uncertain significance (1). 1 of the submissions does not count toward it. Last evaluated 2024-08-10.

Conditions:
COL11A2-related disorder. Also called: COL11A2-related condition; COL11A2-related disorders.

Allele frequency attached by ClinVar (database versions not stated): TOPMed 0.00001; gnomAD 0.00002.
gnomAD v4.1: 4 of 1,585,134 alleles (0.00025%); highest among the groups gnomAD compares: Non-Finnish European, 0.00034%; no homozygotes.

Submissions (2):

Labcorp Genetics (formerly Invitae), Labcorp
Classification: Uncertain significance. Last evaluated: 2024-08-10. Review status: criteria provided, single submitter. Criteria: Invitae Variant Classification Sherloc (09022015). Collection method: clinical testing. Allele origin: germline.
Comment: This sequence change replaces glycine, which is neutral and non-polar, with serine, which is neutral and polar, at codon 967 of the COL11A2 protein (p.Gly967Ser). This variant is not present in population databases (gnomAD no frequency). This variant has not been reported in the literature in individuals affected with COL11A2-related conditions. ClinVar contains an entry for this variant (Variation ID: 1465012). An algorithm developed to predict the effect of missense changes on protein structure and function (PolyPhen-2) suggests that this variant is likely to be disruptive. In summary, the available evidence is currently insufficient to determine the role of this variant in disease. Therefore, it has been classified as a Variant of Uncertain Significance.

PreventionGenetics, part of Exact Sciences
Classification: Uncertain significance for COL11A2-related condition. Last evaluated: 2024-02-14. Review status: no assertion criteria provided. Collection method: clinical testing. Allele origin: germline. Not counted in ClinVar's aggregate classification.
Comment: The COL11A2 c.2899G>A variant is predicted to result in the amino acid substitution p.Gly967Ser. To our knowledge, this variant has not been reported in the literature or in a large population database, indicating this variant is rare. At this time, the clinical significance of this variant is uncertain due to the absence of conclusive functional and genetic evidence.